The following is an entry in ClinVar:

NM_006662.3(SRCAP):c.5399C>T (p.Pro1800Leu)

Gene: SRCAP (Snf2 related CREBBP activator protein; plus strand). Cytogenetic location: 16p11.2.
Variant type: single nucleotide variant.
Coding change: c.5399C>T on transcript NM_006662.3 (MANE Select); coding-DNA position 5399, C replaced by T.
Protein change: p.Pro1800Leu; replaces proline 1800 with leucine.
Molecular consequence: missense variant.
Genome position (GRCh38, 1-based): chr16:30,724,823, C>T. VCF-style: chr16-30724823-C-T. GRCh37 (hg19) VCF-style: chr16-30736144-C-T.
Other names: short protein forms P1800L.
Identifiers: ClinVar variation 1911175 (VCV001911175.5), dbSNP rs748128102, ClinGen allele CA8011961.
Genomic context (GRCh38, chr16:30,724,823, plus strand): 5'-TGGCCCCAGCTTCAGTGCAGACACTGACCTTGAGCCCTGCCCCAGTTCCTACCCTGGGCC[C>T]GGCCGCAGCTCAGACCTTGGCGCTGGCCCCAGCCTCCACACAGTCCCCAGCTTCCCAGGC-3'
Protein context (NP_006653.2, residues 1790-1810): LSPAPVPTLG[Pro1800Leu]AAAQTLALAP

ClinVar aggregate classification (germline): Uncertain significance (1 of 4 stars; one submission).

Allele frequency attached by ClinVar (database versions not stated): TOPMed 0.00001; ExAC 0.00002; gnomAD 0.00002; gnomAD exomes 0.00002.
gnomAD v4.1: 33 of 1,613,774 alleles (0.002%); highest among the groups gnomAD compares: East Asian, 0.0045%; no homozygotes.

Submission:

Labcorp Genetics (formerly Invitae), Labcorp
Classification: Uncertain significance. Last evaluated: 2023-02-23. Review status: criteria provided, single submitter. Criteria: Invitae Variant Classification Sherloc (09022015). Collection method: clinical testing. Allele origin: germline.
Comment: This variant has not been reported in the literature in individuals affected with SRCAP-related conditions. The frequency data for this variant in the population databases is considered unreliable, as metrics indicate poor data quality at this position in the gnomAD database. This sequence change replaces proline, which is neutral and non-polar, with leucine, which is neutral and non-polar, at codon 1800 of the SRCAP protein (p.Pro1800Leu). Advanced modeling of protein sequence and biophysical properties (such as structural, functional, and spatial information, amino acid conservation, physicochemical variation, residue mobility, and thermodynamic stability) performed at Invitae indicates that this missense variant is not expected to disrupt SRCAP protein function. In summary, the available evidence is currently insufficient to determine the role of this variant in disease. Therefore, it has been classified as a Variant of Uncertain Significance.